The following is an entry in ClinVar:

ClinVar aggregate classification (germline): Uncertain significance (1 of 4 stars; one submission).

Submission:

Labcorp Genetics (formerly Invitae), Labcorp
Classification: Uncertain significance. Last evaluated: 2021-12-14. Review status: criteria provided, single submitter. Criteria: Invitae Variant Classification Sherloc (09022015). Collection method: clinical testing. Allele origin: germline.
Comment: In summary, the available evidence is currently insufficient to determine the role of this variant in disease. Therefore, it has been classified as a Variant of Uncertain Significance. Algorithms developed to predict the effect of missense changes on protein structure and function (SIFT, PolyPhen-2, Align-GVGD) all suggest that this variant is likely to be disruptive. This variant has not been reported in the literature in individuals affected with ATR-related conditions. This variant is not present in population databases (gnomAD no frequency). This sequence change replaces isoleucine, which is neutral and non-polar, with threonine, which is neutral and polar, at codon 1216 of the ATR protein (p.Ile1216Thr).

NM_001184.4(ATR):c.3647T>C (p.Ile1216Thr)

Gene: ATR (ATR checkpoint kinase; minus strand). Cytogenetic location: 3q23.
Variant type: single nucleotide variant.
Coding change: c.3647T>C on transcript NM_001184.4 (MANE Select); coding-DNA position 3647, T replaced by C.
Protein change: p.Ile1216Thr; replaces isoleucine 1216 with threonine.
Molecular consequence: missense variant.
Genome position (GRCh38, 1-based): chr3:142,538,560, A>G on the plus strand (T>C on the coding strand, the complement: ATR is on the minus strand). VCF-style: chr3-142538560-A-G. GRCh37 (hg19) VCF-style: chr3-142257402-A-G.
Other names: c.3455T>C, p.Ile1152Thr (NM_001354579.2); short protein forms I1216T, I1152T.
Identifiers: ClinVar variation 2042686 (VCV002042686.4), dbSNP rs2108432606, ClinGen allele CA354807530.